The following is an entry in ClinVar:

NM_007294.4(BRCA1):c.993G>C (p.Arg331Ser)

Gene: BRCA1 (BRCA1 DNA repair associated; minus strand). Cytogenetic location: 17q21.31.
Variant type: single nucleotide variant.
Coding change: c.993G>C on transcript NM_007294.4 (MANE Select); coding-DNA position 993, G replaced by C.
Protein change: p.Arg331Ser; replaces arginine 331 with serine.
Molecular consequence: missense variant. On other transcripts: intron variant (137).
Genome position (GRCh38, 1-based): chr17:43,094,538, C>G on the plus strand (G>C on the coding strand, the complement: BRCA1 is on the minus strand). VCF-style: chr17-43094538-C-G. GRCh37 (hg19) VCF-style: chr17-41246555-C-G.
Other names: c.780G>C, p.Arg260Ser (NM_001407571.1, NM_001407853.1, NM_001407894.1 and 9 more transcripts); c.993G>C, p.Arg331Ser (NM_001407581.1, NM_001407582.1, NM_001407583.1 and 30 more transcripts); c.990G>C, p.Arg330Ser (NM_001407587.1, NM_001407590.1, NM_001407591.1 and 22 more transcripts); c.984G>C, p.Arg328Ser (NM_001407646.1, NM_001407647.1); c.870G>C, p.Arg290Ser (NM_001407648.1, NM_001407664.1, NM_001407665.1 and 19 more transcripts); c.867G>C, p.Arg289Ser (NM_001407649.1, NM_001407670.1, NM_001407671.1 and 11 more transcripts); c.915G>C, p.Arg305Ser (NM_001407653.1, NM_001407654.1, NM_001407655.1 and 4 more transcripts); c.852G>C, p.Arg284Ser (NM_001407728.1, NM_001407729.1, NM_001407730.1 and 29 more transcripts); and 40 more; short protein forms R331S, R284S, R219S, R242S, R243S, R304S, R305S, R330S.
Identifiers: ClinVar variation 55774 (VCV000055774.20), dbSNP rs80357140, ClinGen allele CA004003.
Genomic context (GRCh38, chr17:43,094,538, plus strand): 5'-TTTTCTCTCACACAGGGGATCAGCATTCAGATCTACCTTTTTTTCTGTGCTGGGAGTCCG[C>G]CTATCATTACATGTTTCCTTACTTCCAGCCCATCTGTTATGTTGGCTCCTTGCTAAGCCA-3'
Protein context (NP_009225.1, residues 321-341): WAGSKETCND[Arg331Ser]RTPSTEKKVD

ClinVar aggregate classification (germline): Conflicting classifications of pathogenicity. Review status: criteria provided, conflicting classifications (1 of 4 stars). 7 submissions from 7 submitters: Uncertain significance (5); Likely benign (1). 1 of the submissions does not count toward it. Last evaluated 2025-10-08.

Conditions:
Hereditary cancer-predisposing syndrome. Also called: Hereditary Cancer Syndrome; Hereditary neoplastic syndrome; Neoplastic Syndromes, Hereditary; Tumor predisposition. Identifiers: Orphanet 140162, MedGen C0027672, MeSH D009386, MONDO:0015356.
Breast-ovarian cancer, familial, susceptibility to, 1 (BROVCA1). Also called: BRCA1 Hereditary Breast and Ovarian Cancer; OVARIAN CANCER, SUSCEPTIBILITY TO. Identifiers: Orphanet 145, MedGen C2676676, MONDO:0011450, OMIM 604370. Disease mechanism: loss of function.
Hereditary breast ovarian cancer syndrome. Also called: BRCA1- and BRCA2-Associated Hereditary Breast and Ovarian Cancer; Hereditary breast and ovarian cancer syndrome; Hereditary breast and ovarian cancer syndrome (HBOC); Breast and ovarian cancer; Hereditary breast and/or ovarian cancer syndrome; Hereditary breast and ovarian cancer. Identifiers: Orphanet 145, MedGen C0677776, MeSH D061325, MONDO:0003582. Disease mechanism: loss of function.

Submissions (7):

Ambry Genetics
Classification: Uncertain significance for Hereditary cancer-predisposing syndrome. Last evaluated: 2025-10-08. Review status: criteria provided, single submitter. Criteria: Ambry Variant Classification Scheme 2023. Collection method: clinical testing. Allele origin: germline.
Comment: The p.R331S variant (also known as c.993G>C), located in coding exon 9 of the BRCA1 gene, results from a G to C substitution at nucleotide position 993. The arginine at codon 331 is replaced by serine, an amino acid with dissimilar properties. This amino acid position is not well conserved in available vertebrate species. In addition, this alteration is predicted to be deleterious by in silico analysis. Based on the available evidence, the clinical significance of this variant remains unclear.

Quest Diagnostics Nichols Institute San Juan Capistrano
Classification: Uncertain significance. Last evaluated: 2025-02-26. Review status: criteria provided, single submitter. Criteria: Quest Diagnostics criteria. Collection method: clinical testing. Allele origin: unknown.
Comment: The BRCA1 c.993G>C (p.Arg331Ser) variant has been reported in the published literature in individuals/families affected with breast and/or ovarian cancer (PMIDs: 21232165 (2011), 27062684 (2016)). This variant has not been reported in large, multi-ethnic general populations (Genome Aggregation Database). Analysis of this variant using bioinformatics tools for the prediction of the effect of amino acid changes on protein structure and function yielded predictions that this variant is damaging. Based on the available information, we are unable to determine the clinical significance of this variant.

Labcorp Genetics (formerly Invitae), Labcorp
Classification: Uncertain significance for Hereditary breast ovarian cancer syndrome. Last evaluated: 2024-04-18. Review status: criteria provided, single submitter. Criteria: Invitae Variant Classification Sherloc (09022015). Collection method: clinical testing. Allele origin: germline.
Comment: This sequence change replaces arginine, which is basic and polar, with serine, which is neutral and polar, at codon 331 of the BRCA1 protein (p.Arg331Ser). This variant is not present in population databases (gnomAD no frequency). This missense change has been observed in individual(s) with personal and/or family history of breast and/or ovarian cancer (PMID: 21232165). ClinVar contains an entry for this variant (Variation ID: 55774). Advanced modeling of protein sequence and biophysical properties (such as structural, functional, and spatial information, amino acid conservation, physicochemical variation, residue mobility, and thermodynamic stability) performed at Invitae indicates that this missense variant is not expected to disrupt BRCA1 protein function with a negative predictive value of 95%. In summary, the available evidence is currently insufficient to determine the role of this variant in disease. Therefore, it has been classified as a Variant of Uncertain Significance.

University of Washington Department of Laboratory Medicine, University of Washington
Classification: Likely benign for Hereditary cancer-predisposing syndrome. Last evaluated: 2023-03-23. Review status: criteria provided, single submitter. Criteria: Dines et al. (Genet Med. 2020). Collection method: curation. Allele origin: germline.
Comment: Missense variant in a coldspot region where missense variants are very unlikely to be pathogenic (PMID:31911673).

BRCA1 coldspot (exon 11 using historical exon numbering). Reclassification based on statistical prior probability

Color Diagnostics, LLC DBA Color Health
Classification: Uncertain significance for Hereditary cancer-predisposing syndrome. Last evaluated: 2019-04-08. Review status: criteria provided, single submitter. Criteria: ACMG Guidelines, 2015. Collection method: clinical testing. Allele origin: germline.

GeneDx
Classification: Uncertain significance. Last evaluated: 2016-10-07. Review status: criteria provided, single submitter. Criteria: GeneDx Variant Classification (06012015). Collection method: clinical testing. Allele origin: germline. Affected: yes.
Comment: This variant is denoted BRCA1 c.993G>C at the cDNA level, p.Arg331Ser (R331S) at the protein level, and results in the change of an Arginine to a Serine (AGG>AGC). This variant, also published as BRCA1 1112G>C using alternate nomenclature, has been observed in at least two individuals of Slovenian ancestry from families with breast and/or ovarian cancer (Stegel 2011). BRCA1 Arg331Ser was not observed in approximately 6,500 individuals of European and African American ancestry in the NHLBI Exome Sequencing Project, suggesting it is not a common benign variant in these populations. Since Arginine and Serine differ in some properties, this is considered a semi-conservative amino acid substitution. BRCA1 Arg331Ser occurs at a position that is not conserved and is located in DNA binding domain and region of interaction with multiple proteins (Narod 2004, Paul 2014). In silico analyses are inconsistent regarding the effect this variant may have on protein structure and function. Based on currently available evidence, it is unclear whether BRCA1 Arg331Ser is a pathogenic or benign variant. We consider it to be a variant of uncertain significance.

Breast Cancer Information Core (BIC) (BRCA1)
Classification: Uncertain significance for Breast-ovarian cancer, familial 1. Last evaluated: 2002-05-29. Review status: no assertion criteria provided. Collection method: clinical testing. Allele origin: germline. Affected: yes. Observed: 3 variant alleles. Not counted in ClinVar's aggregate classification.

Literature cited by the submitters: PubMed 21232165 (cited by Quest Diagnostics Nichols Institute San Juan Capistrano and Labcorp Genetics (formerly Invitae), Labcorp); PubMed 16518693 (cited by Quest Diagnostics Nichols Institute San Juan Capistrano); PubMed 12531920 (cited by Quest Diagnostics Nichols Institute San Juan Capistrano); PubMed 27062684 (cited by Quest Diagnostics Nichols Institute San Juan Capistrano); PubMed 35729312 (cited by Quest Diagnostics Nichols Institute San Juan Capistrano).